The following is an entry in ClinVar:

ClinVar aggregate classification (germline): Uncertain significance. Review status: criteria provided, multiple submitters, no conflicts (2 of 4 stars). 3 submissions from 3 submitters: Uncertain significance (3). Last evaluated 2024-12-06.

Conditions:
Hereditary cancer-predisposing syndrome. Also called: Tumor predisposition; Neoplastic Syndromes, Hereditary; Hereditary neoplastic syndrome; Hereditary Cancer Syndrome. Identifiers: Orphanet 140162, MedGen C0027672, MeSH D009386, MONDO:0015356.

Submissions (3):

Ambry Genetics
Classification: Uncertain significance for Hereditary cancer-predisposing syndrome. Last evaluated: 2024-12-06. Review status: criteria provided, single submitter. Criteria: Ambry Variant Classification Scheme 2023. Collection method: clinical testing. Allele origin: germline.
Comment: The p.C298W variant (also known as c.894C>G), located in coding exon 7 of the SMARCB1 gene, results from a C to G substitution at nucleotide position 894. The cysteine at codon 298 is replaced by tryptophan, an amino acid with highly dissimilar properties. This amino acid position is conserved. In addition, this alteration is predicted to be deleterious by in silico analysis. Based on the available evidence, the clinical significance of this variant remains unclear.

Labcorp Genetics (formerly Invitae), Labcorp
Classification: Uncertain significance. Last evaluated: 2024-06-11. Review status: criteria provided, single submitter. Criteria: Invitae Variant Classification Sherloc (09022015). Collection method: clinical testing. Allele origin: germline.
Comment: This sequence change replaces cysteine, which is neutral and slightly polar, with tryptophan, which is neutral and slightly polar, at codon 298 of the SMARCB1 protein (p.Cys298Trp). This variant is not present in population databases (gnomAD no frequency). This variant has not been reported in the literature in individuals affected with SMARCB1-related conditions. ClinVar contains an entry for this variant (Variation ID: 1020099). Advanced modeling of protein sequence and biophysical properties (such as structural, functional, and spatial information, amino acid conservation, physicochemical variation, residue mobility, and thermodynamic stability) performed at Invitae indicates that this missense variant is expected to disrupt SMARCB1 protein function with a positive predictive value of 80%. In summary, the available evidence is currently insufficient to determine the role of this variant in disease. Therefore, it has been classified as a Variant of Uncertain Significance.

GeneDx
Classification: Uncertain significance. Last evaluated: 2024-03-26. Review status: criteria provided, single submitter. Criteria: GeneDx Variant Classification Process June 2021. Collection method: clinical testing. Allele origin: germline. Affected: yes.
Comment: Not observed at significant frequency in large population cohorts (gnomAD); In silico analysis supports that this missense variant has a deleterious effect on protein structure/function; Has not been previously published as pathogenic or benign to our knowledge; This variant is associated with the following publications: (PMID: 26073604)

NM_003073.5(SMARCB1):c.894C>G (p.Cys298Trp)

Gene: SMARCB1 (SWI/SNF related BAF chromatin remodeling complex subunit B1; plus strand). Cytogenetic location: 22q11.23.
Variant type: single nucleotide variant.
Coding change: c.894C>G on transcript NM_003073.5 (MANE Select); coding-DNA position 894, C replaced by G.
Protein change: p.Cys298Trp; replaces cysteine 298 with tryptophan.
Molecular consequence: missense variant.
Genome position (GRCh38, 1-based): chr22:23,825,323, C>G. VCF-style: chr22-23825323-C-G. GRCh37 (hg19) VCF-style: chr22-24167510-C-G.
Other names: c.867C>G, p.Cys289Trp (NM_001007468.3); c.921C>G, p.Cys307Trp (NM_001317946.2); c.948C>G, p.Cys316Trp (NM_001362877.2); c.894C>G (NM_003073.3); short protein forms C289W, C298W, C307W, C316W.
Identifiers: ClinVar variation 1020099 (VCV001020099.10), dbSNP rs2030323849, ClinGen allele CA410907377.